The following is an entry in ClinVar:

NM_003705.5(SLC25A12):c.1338A>C (p.Pro446=)

Gene: SLC25A12 (solute carrier family 25 member 12; minus strand). Cytogenetic location: 2q31.1.
Variant type: single nucleotide variant.
Coding change: c.1338A>C on transcript NM_003705.5 (MANE Select); coding-DNA position 1338, A replaced by C.
Protein change: p.Pro446=; no amino-acid change (proline 446 retained).
Molecular consequence: synonymous variant. On other transcripts: non-coding transcript variant (1).
Genome position (GRCh38, 1-based): chr2:171,793,735, T>G on the plus strand (A>C on the coding strand, the complement: SLC25A12 is on the minus strand). VCF-style: chr2-171793735-T-G. GRCh37 (hg19) VCF-style: chr2-172650245-T-G.
Identifiers: ClinVar variation 332340 (VCV000332340.18), dbSNP rs149278617, ClinGen allele CA1966134.

ClinVar aggregate classification (germline): Benign. Review status: criteria provided, multiple submitters, no conflicts (2 of 4 stars). 4 submissions from 4 submitters: Benign (2). 2 of the submissions do not count toward it. Last evaluated 2026-02-03.

Conditions:
SLC25A12-related disorder. Also called: SLC25A12-related condition.

Allele frequency attached by ClinVar (database versions not stated): ExAC 0.00204; ESP Exome Variant Server 0.00584; TOPMed 0.00626; 1000 Genomes Project 0.00639; 1000 Genomes Project 30x 0.00765.
gnomAD v4.1: 2,320 of 1,614,048 alleles (0.14%); highest among the groups gnomAD compares: African/African-American, 1.9%; 20 homozygotes.

Submissions (4):

Labcorp Genetics (formerly Invitae), Labcorp
Classification: Benign. Last evaluated: 2026-02-03. Review status: criteria provided, single submitter. Criteria: Invitae Variant Classification Sherloc (09022015). Collection method: clinical testing. Allele origin: germline.

Breakthrough Genomics
Classification: Benign. Review status: criteria provided, single submitter. Criteria: ACMG Guidelines, 2015. Collection method: not provided. Allele origin: germline. Inheritance: Autosomal recessive inheritance. Affected: yes.

PreventionGenetics, part of Exact Sciences
Classification: Benign for SLC25A12-related condition. Last evaluated: 2020-03-03. Review status: no assertion criteria provided. Collection method: clinical testing. Allele origin: germline. Not counted in ClinVar's aggregate classification.
Comment: This variant is classified as benign based on ACMG/AMP sequence variant interpretation guidelines (Richards et al. 2015 PMID: 25741868, with internal and published modifications).

Mayo Clinic Laboratories, Mayo Clinic
Classification: Likely benign. Last evaluated: 2017-10-31. Review status: no assertion criteria provided. Collection method: clinical testing. Allele origin: unknown. Not counted in ClinVar's aggregate classification.